The following is an entry in ClinVar:

NM_031372.4(HNRNPDL):c.133C>T (p.Leu45Phe)

Gene: HNRNPDL (heterogeneous nuclear ribonucleoprotein D like; minus strand). Cytogenetic location: 4q21.22.
Variant type: single nucleotide variant.
Coding change: c.133C>T on transcript NM_031372.4 (MANE Select); coding-DNA position 133, C replaced by T.
Protein change: p.Leu45Phe; replaces leucine 45 with phenylalanine.
Molecular consequence: missense variant. On other transcripts: non-coding transcript variant (1).
Genome position (GRCh38, 1-based): chr4:82,429,558, G>A on the plus strand (C>T on the coding strand, the complement: HNRNPDL is on the minus strand). VCF-style: chr4-82429558-G-A. GRCh37 (hg19) VCF-style: chr4-83350711-G-A.
Other names: c.133C>T, p.Leu45Phe (NM_001207000.1); short protein forms L45F.
Identifiers: ClinVar variation 2078172 (VCV002078172.4), dbSNP rs779364180, ClinGen allele CA2985136.

ClinVar aggregate classification (germline): Uncertain significance (1 of 4 stars; one submission).

Conditions:
Autosomal dominant limb-girdle muscular dystrophy type 1G (LGMDD3). Also called: Limb-girdle muscular dystrophy, type 1G; MUSCULAR DYSTROPHY, LIMB-GIRDLE, AUTOSOMAL DOMINANT 3. Identifiers: Orphanet 55596, MedGen C1836765, MONDO:0012193, OMIM 609115.

Allele frequency attached by ClinVar (database versions not stated): gnomAD exomes 0.00002.
gnomAD v4.1: 23 of 1,439,788 alleles (0.0016%); highest among the groups gnomAD compares: East Asian, 0.0028%; no homozygotes.

Submission:

Labcorp Genetics (formerly Invitae), Labcorp
Classification: Uncertain significance for Autosomal dominant limb-girdle muscular dystrophy type 1G. Last evaluated: 2021-12-23. Review status: criteria provided, single submitter. Criteria: Invitae Variant Classification Sherloc (09022015). Collection method: clinical testing. Allele origin: germline.
Comment: Algorithms developed to predict the effect of missense changes on protein structure and function are either unavailable or do not agree on the potential impact of this missense change (SIFT: "Deleterious"; PolyPhen-2: "Possibly Damaging"; Align-GVGD: "Class C0"). This sequence change replaces leucine, which is neutral and non-polar, with phenylalanine, which is neutral and non-polar, at codon 45 of the HNRNPDL protein (p.Leu45Phe). This variant is not present in population databases (gnomAD no frequency). This variant has not been reported in the literature in individuals affected with HNRNPDL-related conditions. In summary, the available evidence is currently insufficient to determine the role of this variant in disease. Therefore, it has been classified as a Variant of Uncertain Significance.